The following is an entry in ClinVar:

ClinVar aggregate classification (germline): Conflicting classifications of pathogenicity. Review status: criteria provided, conflicting classifications (1 of 4 stars). 4 submissions from 4 submitters: Uncertain significance (1); Likely benign (2). 1 of the submissions does not count toward it. Last evaluated 2025-11-16.

Conditions:
DLL1-related disorder. Also called: DLL1-related condition.

Submissions (4):

Labcorp Genetics (formerly Invitae), Labcorp
Classification: Uncertain significance. Last evaluated: 2025-11-16. Review status: criteria provided, single submitter. Criteria: Invitae Variant Classification Sherloc (09022015). Collection method: clinical testing. Allele origin: germline.
Comment: This sequence change falls in intron 1 of the DLL1 gene. It does not directly change the encoded amino acid sequence of the DLL1 protein. It affects a nucleotide within the consensus splice site. This variant is present in population databases (rs781544862, gnomAD 0.03%). This variant has not been reported in the literature in individuals affected with DLL1-related conditions. ClinVar contains an entry for this variant (Variation ID: 1695179). Variants that disrupt the consensus splice site are a relatively common cause of aberrant splicing (PMID: 17576681, 9536098). Algorithms developed to predict the effect of sequence changes on RNA splicing suggest that this variant is not likely to affect RNA splicing. In summary, the available evidence is currently insufficient to determine the role of this variant in disease. Therefore, it has been classified as a Variant of Uncertain Significance.

Blueprint Genetics
Classification: Likely benign. Last evaluated: 2024-10-14. Review status: criteria provided, single submitter. Criteria: ACMG Guidelines, 2015. Collection method: clinical testing. Allele origin: germline.

CeGaT Center for Human Genetics Tuebingen
Classification: Likely benign. Last evaluated: 2022-10-01. Review status: criteria provided, single submitter. Criteria: CeGaT Center For Human Genetics Tuebingen Variant Classification Criteria Version 2. Collection method: clinical testing. Allele origin: germline. Affected: yes. Observed: 2 variant alleles.
Comment: DLL1: BP4, BS1

PreventionGenetics, part of Exact Sciences
Classification: Likely benign for DLL1-related condition. Last evaluated: 2020-01-22. Review status: no assertion criteria provided. Collection method: clinical testing. Allele origin: germline. Not counted in ClinVar's aggregate classification.
Comment: This variant is classified as likely benign based on ACMG/AMP sequence variant interpretation guidelines (Richards et al. 2015 PMID: 25741868, with internal and published modifications).

Literature cited by the submitters: PubMed 17576681 (cited by Labcorp Genetics (formerly Invitae), Labcorp); PubMed 9536098 (cited by Labcorp Genetics (formerly Invitae), Labcorp).

NM_005618.4(DLL1):c.54+6_54+13del

Gene: DLL1 (delta like canonical Notch ligand 1; minus strand). Cytogenetic location: 6q27.
Variant type: Deletion.
Coding change: c.54+6_54+13del on transcript NM_005618.4 (MANE Select); bases 6 to 13 of the intron after coding-DNA position 54, 8 bases deleted (CGGGCAGG; older notation c.54+6_54+13delCGGGCAGG).
Molecular consequence: intron variant.
Genome position (GRCh38, 1-based): chr6:170,290,073-170,290,080, CCTGCCCG deleted on the plus strand (CGGGCAGG on the coding strand, the reverse complement: DLL1 is on the minus strand); deleting any 8 consecutive bases within chr6:170,290,073-170,290,083 gives the same sequence; the c. name uses the placement nearest the transcript's 3' end. VCF-style (leftmost placement, unchanged base first): chr6-170290072-ACCTGCCCG-A. GRCh37 (hg19) VCF-style: chr6-170599160-ACCTGCCCG-A.
Other names: c.54+6_54+13del8 (NM_005618.3).
Identifiers: ClinVar variation 1695179 (VCV001695179.38), dbSNP rs781544862, ClinGen allele CA4107230.